The following is an entry in ClinVar:

ClinVar aggregate classification (germline): Uncertain significance (1 of 4 stars; one submission).

Allele frequency attached by ClinVar (database versions not stated): gnomAD exomes below 0.00001.
gnomAD v4.1: 1 of 1,613,638 alleles (0.000062%); highest among the groups gnomAD compares: Non-Finnish European, 0.000085%; no homozygotes.

Submission:

Labcorp Genetics (formerly Invitae), Labcorp
Classification: Uncertain significance. Last evaluated: 2024-01-29. Review status: criteria provided, single submitter. Criteria: Invitae Variant Classification Sherloc (09022015). Collection method: clinical testing. Allele origin: germline.
Comment: This sequence change replaces serine, which is neutral and polar, with alanine, which is neutral and non-polar, at codon 302 of the ATF6 protein (p.Ser302Ala). This variant is not present in population databases (gnomAD no frequency). This variant has not been reported in the literature in individuals affected with ATF6-related conditions. Advanced modeling of protein sequence and biophysical properties (such as structural, functional, and spatial information, amino acid conservation, physicochemical variation, residue mobility, and thermodynamic stability) performed at Invitae indicates that this missense variant is not expected to disrupt ATF6 protein function with a negative predictive value of 80%. In summary, the available evidence is currently insufficient to determine the role of this variant in disease. Therefore, it has been classified as a Variant of Uncertain Significance.

NM_007348.4(ATF6):c.904T>G (p.Ser302Ala)

Gene: ATF6 (activating transcription factor 6; plus strand). Cytogenetic location: 1q23.3.
Variant type: single nucleotide variant.
Coding change: c.904T>G on transcript NM_007348.4 (MANE Select); coding-DNA position 904, T replaced by G.
Protein change: p.Ser302Ala; replaces serine 302 with alanine.
Molecular consequence: missense variant.
Genome position (GRCh38, 1-based): chr1:161,802,267, T>G. VCF-style: chr1-161802267-T-G. GRCh37 (hg19) VCF-style: chr1-161772057-T-G.
Other names: c.904T>G, p.Ser302Ala (NM_001410890.1); short protein forms S302A.
Identifiers: ClinVar variation 2713987 (VCV002713987.3), dbSNP rs2525184577, ClinGen allele CA343388947.
Genomic context (GRCh38, chr1:161,802,267, plus strand): 5'-GTGAATGGAAAACTTTCCGTGACTAAACCTGTCCTACAAAGTACCATGAGAAATGTCGGT[T>G]CAGATGTAAGTTTTGAAACTTAGTGCTTCTCTTAATGCCTGATTTAAAAACCAACAAAAA-3'
Protein context (NP_031374.2, residues 292-312): VLQSTMRNVG[Ser302Ala]DIAVLRRQQR